The following is an entry in ClinVar:

ClinVar aggregate classification (germline): Uncertain significance (1 of 4 stars; one submission).

Conditions:
Cardiovascular phenotype. Identifiers: MedGen CN230736.

Submission:

Ambry Genetics
Classification: Uncertain significance for Cardiovascular phenotype. Last evaluated: 2025-08-20. Review status: criteria provided, single submitter. Criteria: Ambry Variant Classification Scheme 2023. Collection method: clinical testing. Allele origin: germline.
Comment: The c.3577dupT variant, located in coding exon 14 of the RBM20 gene, results from a duplication of T at nucleotide position 3577, causing a translational frameshift with a predicted alternate stop codon (p.Y1193Lfs*18). This alteration is expected to result in protein truncation or nonsense-mediated mRNA decay. However, loss of function of RBM20 has not been established as a mechanism of disease. Based on the available evidence, the clinical significance of this alteration remains unclear.

NM_001134363.3(RBM20):c.3577dup (p.Tyr1193fs)

Gene: RBM20 (RNA binding motif protein 20; plus strand). Cytogenetic location: 10q25.2.
Variant type: Duplication.
Coding change: c.3577dup on transcript NM_001134363.3 (MANE Select); coding-DNA position 3577, one base duplicated (T; older notation c.3577dupT).
Protein change: p.Tyr1193fs; shifts the reading frame from tyrosine 1193.
Molecular consequence: frameshift variant.
Genome position (GRCh38, 1-based): chr10:110,835,871, T duplicated. VCF-style (leftmost placement, unchanged base first): chr10-110835870-A-AT. GRCh37 (hg19) VCF-style: chr10-112595628-A-AT.
Other names: c.3577dupT (NM_001134363.1); short protein forms Y1193fs.
Identifiers: ClinVar variation 4151596 (VCV004151596.1).